The following is an entry in ClinVar:

NM_022725.4(FANCF):c.153T>C (p.His51=)

Gene: FANCF (FA complementation group F; minus strand). Cytogenetic location: 11p14.3.
Variant type: single nucleotide variant.
Coding change: c.153T>C on transcript NM_022725.4 (MANE Select); coding-DNA position 153, T replaced by C.
Protein change: p.His51=; no amino-acid change (histidine 51 retained).
Molecular consequence: synonymous variant.
Genome position (GRCh38, 1-based): chr11:22,625,658, A>G on the plus strand (T>C on the coding strand, the complement: FANCF is on the minus strand). VCF-style: chr11-22625658-A-G. GRCh37 (hg19) VCF-style: chr11-22647204-A-G.
Identifiers: ClinVar variation 3608585 (VCV003608585.2).

ClinVar aggregate classification (germline): Uncertain significance (1 of 4 stars; one submission).

Conditions:
Fanconi anemia (FA). Also called: Fanconi's anemia. Identifiers: Orphanet 84, MedGen C0015625, MeSH D005199, MONDO:0019391.

Submission:

Labcorp Genetics (formerly Invitae), Labcorp
Classification: Uncertain significance for Fanconi anemia. Last evaluated: 2024-05-11. Review status: criteria provided, single submitter. Criteria: Invitae Variant Classification Sherloc (09022015). Collection method: clinical testing. Allele origin: germline.
Comment: This sequence change affects codon 51 of the FANCF mRNA. It is a 'silent' change, meaning that it does not change the encoded amino acid sequence of the FANCF protein. This variant is not present in population databases (gnomAD no frequency). This variant has not been reported in the literature in individuals affected with FANCF-related conditions. In summary, the available evidence is currently insufficient to determine the role of this variant in disease. Therefore, it has been classified as a Variant of Uncertain Significance.